The following is an entry in ClinVar:

NM_000038.6(APC):c.4672G>C (p.Asp1558His)

Gene: APC (APC regulator of Wnt signaling pathway; plus strand). Cytogenetic location: 5q22.2.
Variant type: single nucleotide variant.
Coding change: c.4672G>C on transcript NM_000038.6 (MANE Select); coding-DNA position 4672, G replaced by C.
Protein change: p.Asp1558His; replaces aspartic acid 1558 with histidine.
Molecular consequence: missense variant. On other transcripts: non-coding transcript variant (2).
Genome position (GRCh38, 1-based): chr5:112,840,266, G>C. VCF-style: chr5-112840266-G-C. GRCh37 (hg19) VCF-style: chr5-112175963-G-C.
Other names: c.4294G>C, p.Asp1432His (NM_001354904.2); c.4192G>C, p.Asp1398His (NM_001354905.2); c.3823G>C, p.Asp1275His (NM_001354906.2, NM_001407470.1); c.4756G>C, p.Asp1586His (NM_001407446.1); c.4672G>C, p.Asp1558His (NM_001407450.1, NM_001127510.3, NM_001354895.2); c.4651G>C, p.Asp1551His (NM_001407451.1); c.4726G>C, p.Asp1576His (NM_001407447.1, NM_001407448.1, NM_001407449.1 and 1 more transcripts); c.4642G>C, p.Asp1548His (NM_001407452.1); and 11 more; short protein forms D1174H, D1432H, D1551H, D1586H, D1475H, D1576H, D1398H, D1429H.
Identifiers: ClinVar variation 2760779 (VCV002760779.3), dbSNP rs2149920803, ClinGen allele CA16031572.

ClinVar aggregate classification (germline): Uncertain significance (1 of 4 stars; one submission).

Conditions:
Familial adenomatous polyposis 1 (FAP1). Also called: POLYPOSIS, ADENOMATOUS INTESTINAL; FAMILIAL ADENOMATOUS POLYPOSIS 1, ATTENUATED. Identifiers: MedGen C2713442, MONDO:0021056, OMIM 175100. Disease mechanism: loss of function.

Submission:

Labcorp Genetics (formerly Invitae), Labcorp
Classification: Uncertain significance for Familial adenomatous polyposis 1. Last evaluated: 2023-09-15. Review status: criteria provided, single submitter. Criteria: Invitae Variant Classification Sherloc (09022015). Collection method: clinical testing. Allele origin: germline.
Comment: This sequence change replaces aspartic acid, which is acidic and polar, with histidine, which is basic and polar, at codon 1558 of the APC protein (p.Asp1558His). This variant is not present in population databases (gnomAD no frequency). This variant has not been reported in the literature in individuals affected with APC-related conditions. Advanced modeling of protein sequence and biophysical properties (such as structural, functional, and spatial information, amino acid conservation, physicochemical variation, residue mobility, and thermodynamic stability) performed at Invitae indicates that this missense variant is not expected to disrupt APC protein function. In summary, the available evidence is currently insufficient to determine the role of this variant in disease. Therefore, it has been classified as a Variant of Uncertain Significance.